The following is an entry in ClinVar:

NM_001232.4(CASQ2):c.835C>A (p.Pro279Thr)

Gene: CASQ2 (calsequestrin 2; minus strand). Cytogenetic location: 1p13.1.
Variant type: single nucleotide variant.
Coding change: c.835C>A on transcript NM_001232.4 (MANE Select); coding-DNA position 835, C replaced by A.
Protein change: p.Pro279Thr; replaces proline 279 with threonine.
Molecular consequence: missense variant.
Genome position (GRCh38, 1-based): chr1:115,717,843, G>T on the plus strand (C>A on the coding strand, the complement: CASQ2 is on the minus strand). VCF-style: chr1-115717843-G-T. GRCh37 (hg19) VCF-style: chr1-116260464-G-T.
Other names: short protein forms P279T.
Identifiers: ClinVar variation 1417565 (VCV001417565.9), dbSNP rs769435706, ClinGen allele CA341767745.

ClinVar aggregate classification (germline): Uncertain significance (1 of 4 stars; one submission).

Conditions:
Catecholaminergic polymorphic ventricular tachycardia 1. Also called: RYR2-Related Catecholaminergic Polymorphic Ventricular Tachycardia; VENTRICULAR TACHYCARDIA, STRESS-INDUCED POLYMORPHIC 1; VENTRICULAR TACHYCARDIA, CATECHOLAMINERGIC POLYMORPHIC, 1, WITH OR WITHOUT ATRIAL DYSFUNCTION AND/OR DILATED CARDIOMYOPATHY. Identifiers: Orphanet 3286, MedGen C1631597, MONDO:0011484, OMIM 604772.

Submission:

Labcorp Genetics (formerly Invitae), Labcorp
Classification: Uncertain significance for Catecholaminergic polymorphic ventricular tachycardia 1. Last evaluated: 2021-04-30. Review status: criteria provided, single submitter. Criteria: Invitae Variant Classification Sherloc (09022015). Collection method: clinical testing. Allele origin: germline.
Comment: In summary, the available evidence is currently insufficient to determine the role of this variant in disease. Therefore, it has been classified as a Variant of Uncertain Significance. Algorithms developed to predict the effect of missense changes on protein structure and function are either unavailable or do not agree on the potential impact of this missense change (SIFT: "Tolerated"; PolyPhen-2: "Probably Damaging"; Align-GVGD: "Class C0"). This variant has not been reported in the literature in individuals with CASQ2-related conditions. This variant is not present in population databases (ExAC no frequency). This sequence change replaces proline with threonine at codon 279 of the CASQ2 protein (p.Pro279Thr). The proline residue is highly conserved and there is a small physicochemical difference between proline and threonine.